The following is an entry in ClinVar:

ClinVar aggregate classification (germline): Likely benign. Review status: criteria provided, multiple submitters, no conflicts (2 of 4 stars). 2 submissions from 2 submitters: Likely benign (2). Last evaluated 2025-11-16.

Conditions:
MYH7-related disorder. Also called: MYH7-related disorders; MYH7-related condition; MYH7-related disease.
Hypertrophic cardiomyopathy. Also called: HYPERTROPHIC MYOCARDIOPATHY. Identifiers: Orphanet 217569, MedGen C0007194, MeSH D002312, MONDO:0005045, HP:0001639.

Allele frequency attached by ClinVar (database versions not stated): gnomAD 0.00001; TOPMed 0.00001; gnomAD exomes 0.00004; ExAC 0.00006; 1000 Genomes Project 0.00020; 1000 Genomes Project 30x 0.00031.
gnomAD v4.1: 20 of 1,613,908 alleles (0.0012%); highest among the groups gnomAD compares: Admixed American, 0.01%; no homozygotes.

Submissions (2):

PreventionGenetics, part of Exact Sciences
Classification: Likely benign for MYH7-related condition. Last evaluated: 2025-11-16. Review status: criteria provided, single submitter. Criteria: ACMG Guidelines, 2015. Collection method: clinical testing. Allele origin: germline.
Comment: This variant is classified as likely benign based on ACMG/AMP sequence variant interpretation guidelines (Richards et al. 2015 PMID: 25741868, with internal and published modifications).

Labcorp Genetics (formerly Invitae), Labcorp
Classification: Likely benign for Hypertrophic cardiomyopathy. Last evaluated: 2023-10-13. Review status: criteria provided, single submitter. Criteria: Invitae Variant Classification Sherloc (09022015). Collection method: clinical testing. Allele origin: germline.

NM_000257.4(MYH7):c.3853+10G>C

Gene: MYH7 (myosin heavy chain 7; minus strand). Cytogenetic location: 14q11.2.
Variant type: single nucleotide variant.
Coding change: c.3853+10G>C on transcript NM_000257.4 (MANE Select); 10 bases into the intron after coding-DNA position 3853, G replaced by C.
Molecular consequence: intron variant.
Genome position (GRCh38, 1-based): chr14:23,419,473, C>G on the plus strand (G>C on the coding strand, the complement: MYH7 is on the minus strand). VCF-style: chr14-23419473-C-G. GRCh37 (hg19) VCF-style: chr14-23888682-C-G.
Identifiers: ClinVar variation 705141 (VCV000705141.8), dbSNP rs567188710, ClinGen allele CA039084.